The following is an entry in ClinVar:

NM_032383.5(HPS3):c.1549A>C (p.Ser517Arg)

Gene: HPS3 (HPS3 biogenesis of lysosomal organelles complex 2 subunit 1; plus strand). Cytogenetic location: 3q24.
Variant type: single nucleotide variant.
Coding change: c.1549A>C on transcript NM_032383.5 (MANE Select); coding-DNA position 1549, A replaced by C.
Protein change: p.Ser517Arg; replaces serine 517 with arginine.
Molecular consequence: missense variant.
Genome position (GRCh38, 1-based): chr3:149,157,389, A>C. VCF-style: chr3-149157389-A-C. GRCh37 (hg19) VCF-style: chr3-148875176-A-C.
Other names: c.1054A>C, p.Ser352Arg (NM_001308258.2); short protein forms S352R, S517R.
Identifiers: ClinVar variation 2874293 (VCV002874293.3), dbSNP rs2473107071, ClinGen allele CA354921408.

ClinVar aggregate classification (germline): Uncertain significance (1 of 4 stars; one submission).

Submission:

Labcorp Genetics (formerly Invitae), Labcorp
Classification: Uncertain significance. Last evaluated: 2025-12-08. Review status: criteria provided, single submitter. Criteria: Invitae Variant Classification Sherloc (09022015). Collection method: clinical testing. Allele origin: germline.
Comment: This sequence change replaces serine, which is neutral and polar, with arginine, which is basic and polar, at codon 517 of the HPS3 protein (p.Ser517Arg). This variant is not present in population databases (gnomAD no frequency). This variant has not been reported in the literature in individuals affected with HPS3-related conditions. ClinVar contains an entry for this variant (Variation ID: 2874293). Invitae Evidence Modeling of protein sequence and biophysical properties (such as structural, functional, and spatial information, amino acid conservation, physicochemical variation, residue mobility, and thermodynamic stability) indicates that this missense variant is expected to disrupt HPS3 protein function with a positive predictive value of 80%. In summary, the available evidence is currently insufficient to determine the role of this variant in disease. Therefore, it has been classified as a Variant of Uncertain Significance.